The following is an entry in ClinVar:

ClinVar aggregate classification (germline): Uncertain significance (1 of 4 stars; one submission).

Allele frequency attached by ClinVar (database versions not stated): gnomAD exomes below 0.00001.

Submission:

Labcorp Genetics (formerly Invitae), Labcorp
Classification: Uncertain significance. Last evaluated: 2024-02-14. Review status: criteria provided, single submitter. Criteria: Invitae Variant Classification Sherloc (09022015). Collection method: clinical testing. Allele origin: germline.
Comment: This sequence change falls in intron 1 of the TUBB4B gene. It does not directly change the encoded amino acid sequence of the TUBB4B protein. It affects a nucleotide within the consensus splice site. This variant is not present in population databases (gnomAD no frequency). This variant has not been reported in the literature in individuals affected with TUBB4B-related conditions. Variants that disrupt the consensus splice site are a relatively common cause of aberrant splicing (PMID: 17576681, 9536098). Algorithms developed to predict the effect of sequence changes on RNA splicing suggest that this variant is not likely to affect RNA splicing. In summary, the available evidence is currently insufficient to determine the role of this variant in disease. Therefore, it has been classified as a Variant of Uncertain Significance.

Literature cited by the submitters: PubMed 17576681; PubMed 9536098.

NM_006088.6(TUBB4B):c.58-3T>C

Gene: TUBB4B (tubulin beta 4B class IVb; plus strand). Cytogenetic location: 9q34.3.
Variant type: single nucleotide variant.
Coding change: c.58-3T>C on transcript NM_006088.6 (MANE Select); 3 bases into the intron before coding-DNA position 58, T replaced by C.
Molecular consequence: intron variant.
Genome position (GRCh38, 1-based): chr9:137,241,718, T>C. VCF-style: chr9-137241718-T-C. GRCh37 (hg19) VCF-style: chr9-140136170-T-C.
Identifiers: ClinVar variation 2763330 (VCV002763330.3), dbSNP rs1251079881, ClinGen allele CA861139197.